The following is an entry in ClinVar:

NM_000687.4(AHCY):c.636C>T (p.Ala212=)

Gene: AHCY (adenosylhomocysteinase; minus strand). Cytogenetic location: 20q11.22.
Variant type: single nucleotide variant.
Coding change: c.636C>T on transcript NM_000687.4 (MANE Select); coding-DNA position 636, C replaced by T.
Protein change: p.Ala212=; no amino-acid change (alanine 212 retained).
Molecular consequence: synonymous variant.
Genome position (GRCh38, 1-based): chr20:34,290,861, G>A on the plus strand (C>T on the coding strand, the complement: AHCY is on the minus strand). VCF-style: chr20-34290861-G-A. GRCh37 (hg19) VCF-style: chr20-32878667-G-A.
Other names: c.552C>T, p.Ala184= (NM_001161766.2, NM_001322084.2, NM_001322085.2); c.642C>T, p.Ala214= (NM_001322086.2); c.636C>T, p.Ala212= (NM_001362750.2); c.636C>T (NM_000687.3).
Identifiers: ClinVar variation 1144383 (VCV001144383.10), dbSNP rs141172613, ClinGen allele CA9820935.
Genomic context (GRCh38, chr20:34,290,861, plus strand): 5'-CAGGGCCTGGGCACAGCCCTTGCCCACATCACCATAGCCTGCTACCACCGCTACCTTGCC[G>A]GCAATCATCACATCTGTGGCCCGCTTGATGCCATCTATGAGGGACTCCCGGCAGCCATAG-3'
Protein context (NP_000678.1, residues 202-222): GIKRATDVMI[Ala212=]GKVAVVAGYG

ClinVar aggregate classification (germline): Likely benign. Review status: criteria provided, multiple submitters, no conflicts (2 of 4 stars). 2 submissions from 2 submitters: Likely benign (2). Last evaluated 2026-04-24.

Conditions:
AHCY-related disorder. Also called: AHCY-related condition.
Hypermethioninemia with deficiency of S-adenosylhomocysteine hydrolase. Identifiers: Orphanet 88618, MedGen C3151058, MONDO:0013404, OMIM 613752.

Allele frequency attached by ClinVar (database versions not stated): gnomAD exomes 0.00014; 1000 Genomes Project 30x 0.00016; ExAC 0.00017; 1000 Genomes Project 0.00020; ESP Exome Variant Server 0.00031; TOPMed 0.00039; gnomAD 0.00041 and 0.00042.
gnomAD v4.1: 258 of 1,614,152 alleles (0.016%); highest among the groups gnomAD compares: African/African-American, 0.13%; no homozygotes.

Submissions (2):

PreventionGenetics, part of Exact Sciences
Classification: Likely benign for AHCY-related condition. Last evaluated: 2026-04-24. Review status: criteria provided, single submitter. Criteria: ACMG Guidelines, 2015. Collection method: clinical testing. Allele origin: germline.
Comment: This variant is classified as likely benign based on ACMG/AMP sequence variant interpretation guidelines (Richards et al. 2015 PMID: 25741868, with internal and published modifications).

Labcorp Genetics (formerly Invitae), Labcorp
Classification: Likely benign for Hypermethioninemia with deficiency of S-adenosylhomocysteine hydrolase. Last evaluated: 2025-07-31. Review status: criteria provided, single submitter. Criteria: Invitae Variant Classification Sherloc (09022015). Collection method: clinical testing. Allele origin: germline.